The following is an entry in ClinVar:

NM_018718.3(CEP41):c.104G>A (p.Ser35Asn)

Gene: CEP41 (centrosomal protein 41; minus strand). Cytogenetic location: 7q32.2.
Variant type: single nucleotide variant.
Coding change: c.104G>A on transcript NM_018718.3 (MANE Select); coding-DNA position 104, G replaced by A.
Protein change: p.Ser35Asn; replaces serine 35 with asparagine.
Molecular consequence: missense variant. On other transcripts: non-coding transcript variant (1), intron variant (1).
Genome position (GRCh38, 1-based): chr7:130,416,960, C>T on the plus strand (G>A on the coding strand, the complement: CEP41 is on the minus strand). VCF-style: chr7-130416960-C-T. GRCh37 (hg19) VCF-style: chr7-130056801-C-T.
Other names: c.104G>A, p.Ser35Asn (NM_001257158.2); c.98-4720G>A (NM_001257159.2); short protein forms S35N.
Identifiers: ClinVar variation 2108182 (VCV002108182.4), dbSNP rs2536105334, ClinGen allele CA369284635.

ClinVar aggregate classification (germline): Uncertain significance (1 of 4 stars; one submission).

Conditions:
Joubert syndrome 15 (JBTS15). Identifiers: Orphanet 475, MedGen C3280897, MONDO:0013763, OMIM 614464.

Submission:

Labcorp Genetics (formerly Invitae), Labcorp
Classification: Uncertain significance for Joubert syndrome 15. Last evaluated: 2023-05-15. Review status: criteria provided, single submitter. Criteria: Invitae Variant Classification Sherloc (09022015). Collection method: clinical testing. Allele origin: germline.
Comment: In summary, the available evidence is currently insufficient to determine the role of this variant in disease. Therefore, it has been classified as a Variant of Uncertain Significance. Advanced modeling of protein sequence and biophysical properties (such as structural, functional, and spatial information, amino acid conservation, physicochemical variation, residue mobility, and thermodynamic stability) has been performed at Invitae for this missense variant, however the output from this modeling did not meet the statistical confidence thresholds required to predict the impact of this variant on CEP41 protein function. ClinVar contains an entry for this variant (Variation ID: 2108182). This variant has not been reported in the literature in individuals affected with CEP41-related conditions. This variant is not present in population databases (gnomAD no frequency). This sequence change replaces serine, which is neutral and polar, with asparagine, which is neutral and polar, at codon 35 of the CEP41 protein (p.Ser35Asn).